The following is an entry in ClinVar:

ClinVar aggregate classification (germline): Uncertain significance (1 of 4 stars; one submission).

Submission:

GeneDx
Classification: Uncertain significance. Last evaluated: 2024-09-11. Review status: criteria provided, single submitter. Criteria: GeneDx Variant Classification Process June 2021. Collection method: clinical testing. Allele origin: germline. Affected: yes.
Comment: Not observed at significant frequency in large population cohorts (gnomAD); In silico analysis supports that this missense variant has a deleterious effect on protein structure/function; Has not been previously published as pathogenic or benign to our knowledge; This variant is associated with the following publications: (PMID: 18790819)

NM_001122955.4(BSCL2):c.290T>C (p.Val97Ala)

Genes: BSCL2 (BSCL2 lipid droplet biogenesis associated, seipin; minus strand), HNRNPUL2-BSCL2 (HNRNPUL2-BSCL2 readthrough (NMD candidate); minus strand). Cytogenetic location: 11q12.3.
Variant type: single nucleotide variant.
Coding change: c.290T>C on transcript NM_001122955.4 (MANE Select); coding-DNA position 290, T replaced by C.
Protein change: p.Val97Ala; replaces valine 97 with alanine.
Molecular consequence: missense variant. On other transcripts: non-coding transcript variant (1).
Genome position (GRCh38, 1-based): chr11:62,705,415, A>G on the plus strand (T>C on the coding strand, the complement: BSCL2 is on the minus strand). VCF-style: chr11-62705415-A-G. GRCh37 (hg19) VCF-style: chr11-62472887-A-G.
Other names: c.98T>C, p.Val33Ala (NM_001130702.2, NM_032667.6); c.290T>C, p.Val97Ala (NM_001386027.1, NM_001386028.1); short protein forms V33A, V97A.
Identifiers: ClinVar variation 3770065 (VCV003770065.1).